The following is an entry in ClinVar:

ClinVar aggregate classification (germline): Uncertain significance (1 of 4 stars; one submission).

Conditions:
Inborn genetic diseases. Identifiers: MedGen C0950123, MeSH D030342.

Submission:

Ambry Genetics
Classification: Uncertain significance for Inborn genetic diseases. Last evaluated: 2021-03-23. Review status: criteria provided, single submitter. Criteria: Ambry Variant Classification Scheme 2023. Collection method: clinical testing. Allele origin: germline.
Comment: The p.K339Q variant (also known as c.1015A>C), located in coding exon 1 of the NEFL gene, results from an A to C substitution at nucleotide position 1015. The lysine at codon 339 is replaced by glutamine, an amino acid with similar properties. This amino acid position is well conserved in available vertebrate species. In addition, the in silico prediction for this alteration is inconclusive. Since supporting evidence is limited at this time, the clinical significance of this alteration remains unclear.

NM_006158.5(NEFL):c.1015A>C (p.Lys339Gln)

Gene: NEFL (neurofilament light chain; minus strand). Cytogenetic location: 8p21.2.
Variant type: single nucleotide variant.
Coding change: c.1015A>C on transcript NM_006158.5 (MANE Select); coding-DNA position 1015, A replaced by C.
Protein change: p.Lys339Gln; replaces lysine 339 with glutamine.
Molecular consequence: missense variant.
Genome position (GRCh38, 1-based): chr8:24,955,501, T>G on the plus strand (A>C on the coding strand, the complement: NEFL is on the minus strand). VCF-style: chr8-24955501-T-G. GRCh37 (hg19) VCF-style: chr8-24813015-T-G.
Other names: short protein forms K339Q.
Identifiers: ClinVar variation 1741332 (VCV001741332.2), dbSNP rs2486885705, ClinGen allele CA370621131.